The following is an entry in ClinVar:

ClinVar aggregate classification (germline): Uncertain significance (1 of 4 stars; one submission).

Conditions:
Dyskeratosis congenita. Identifiers: Orphanet 1775, MedGen C0265965, MONDO:0015780.

Allele frequency attached by ClinVar (database versions not stated): TOPMed below 0.00001.

Submission:

Labcorp Genetics (formerly Invitae), Labcorp
Classification: Uncertain significance for Dyskeratosis congenita. Last evaluated: 2021-07-13. Review status: criteria provided, single submitter. Criteria: Invitae Variant Classification Sherloc (09022015). Collection method: clinical testing. Allele origin: germline.
Comment: This variant has not been reported in the literature in individuals affected with TINF2-related conditions. Algorithms developed to predict the effect of missense changes on protein structure and function are either unavailable or do not agree on the potential impact of this missense change (SIFT: "Tolerated"; PolyPhen-2: "Possibly Damaging"; Align-GVGD: "Class C0"). In summary, the available evidence is currently insufficient to determine the role of this variant in disease. Therefore, it has been classified as a Variant of Uncertain Significance. This variant is not present in population databases (ExAC no frequency). This sequence change replaces alanine with valine at codon 77 of the TINF2 protein (p.Ala77Val). The alanine residue is moderately conserved and there is a small physicochemical difference between alanine and valine.

NM_001099274.3(TINF2):c.230C>T (p.Ala77Val)

Gene: TINF2 (TERF1 interacting nuclear factor 2; minus strand). Cytogenetic location: 14q12.
Variant type: single nucleotide variant.
Coding change: c.230C>T on transcript NM_001099274.3 (MANE Select); coding-DNA position 230, C replaced by T.
Protein change: p.Ala77Val; replaces alanine 77 with valine.
Molecular consequence: missense variant. On other transcripts: intron variant (1).
Genome position (GRCh38, 1-based): chr14:24,241,957, G>A on the plus strand (C>T on the coding strand, the complement: TINF2 is on the minus strand). VCF-style: chr14-24241957-G-A. GRCh37 (hg19) VCF-style: chr14-24711163-G-A.
Other names: c.230C>T, p.Ala77Val (NM_012461.3); c.193-181C>T (NM_001363668.2); short protein forms A77V.
Identifiers: ClinVar variation 1365164 (VCV001365164.8), dbSNP rs1324581269, ClinGen allele CA389234204.
Genomic context (GRCh38, chr14:24,241,957, plus strand): 5'-GGATCCCGCACTATAGGTCCAGATTCTGGAAAGTGGTGATTCAGGGCTTTCAGGACTTGG[G>A]CCCAAGGCCGGCCCTGCAGGATCAGCTCCACCACCACCTGTACGGTACTGAATTCAGAAT-3'
Protein context (NP_001092744.1, residues 67-87): VELILQGRPW[Ala77Val]QVLKALNHHF